The following is an entry in ClinVar:

ClinVar aggregate classification (germline): Likely benign. Review status: criteria provided, multiple submitters, no conflicts (2 of 4 stars). 6 submissions from 6 submitters: Likely benign (6). Last evaluated 2026-01-19.

Conditions:
Hereditary cancer-predisposing syndrome. Also called: Hereditary Cancer Syndrome; Neoplastic Syndromes, Hereditary; Tumor predisposition; Hereditary neoplastic syndrome. Identifiers: Orphanet 140162, MedGen C0027672, MeSH D009386, MONDO:0015356.
Ataxia-telangiectasia syndrome (AT). Also called: Cerebello-oculocutaneous telangiectasia; Immunodeficiency with ataxia telangiectasia; Ataxia-telangiectasia, complementation group E; Ataxia-telangiectasia, complementation group D; AT, COMPLEMENTATION GROUP C; ATAXIA-TELANGIECTASIA, COMPLEMENTATION GROUP A. Identifiers: Orphanet 100, MedGen C0004135, MONDO:0008840, OMIM 208900.

Allele frequency attached by ClinVar (database versions not stated): gnomAD exomes 0.00002 and 0.00004; 1000 Genomes Project 0.00020; 1000 Genomes Project 30x 0.00031; gnomAD 0.00002 and 0.00003; ExAC 0.00004; TOPMed 0.00006.
gnomAD v4.1: 37 of 1,612,154 alleles (0.0023%); highest among the groups gnomAD compares: Middle Eastern, 0.017%; no homozygotes.

Submissions (6):

Labcorp Genetics (formerly Invitae), Labcorp
Classification: Likely benign for Ataxia-telangiectasia syndrome. Last evaluated: 2026-01-19. Review status: criteria provided, single submitter. Criteria: Invitae Variant Classification Sherloc (09022015). Collection method: clinical testing. Allele origin: germline.

Center for Genomic Medicine, Rigshospitalet, Copenhagen University Hospital
Classification: Likely benign. Last evaluated: 2025-03-04. Review status: criteria provided, single submitter. Criteria: ACMG Guidelines, 2015. Collection method: clinical testing. Allele origin: germline.

Blueprint Genetics
Classification: Likely benign. Last evaluated: 2024-03-28. Review status: criteria provided, single submitter. Criteria: ACMG Guidelines, 2015. Collection method: clinical testing. Allele origin: germline.

GeneDx
Classification: Likely benign. Last evaluated: 2017-07-17. Review status: criteria provided, single submitter. Criteria: GeneDx Variant Classification (06012015). Collection method: clinical testing. Allele origin: germline. Affected: yes.
Comment: This variant is considered likely benign or benign based on one or more of the following criteria: it is a conservative change, it occurs at a poorly conserved position in the protein, it is predicted to be benign by multiple in silico algorithms, and/or has population frequency not consistent with disease.

Ambry Genetics
Classification: Likely benign for Hereditary cancer-predisposing syndrome. Last evaluated: 2015-08-12. Review status: criteria provided, single submitter. Criteria: Ambry Variant Classification Scheme 2023. Collection method: clinical testing. Allele origin: germline.

Color Diagnostics, LLC DBA Color Health
Classification: Likely benign for Hereditary cancer-predisposing syndrome. Last evaluated: 2015-05-05. Review status: criteria provided, single submitter. Criteria: ACMG Guidelines, 2015. Collection method: clinical testing. Allele origin: germline.

NM_000051.4(ATM):c.7788+19C>T

Genes: ATM (ATM serine/threonine kinase; plus strand), C11orf65 (chromosome 11 open reading frame 65; minus strand). Cytogenetic location: 11q22.3.
Variant type: single nucleotide variant.
Coding change: c.7788+19C>T on transcript NM_000051.4 (MANE Select); 19 bases into the intron after coding-DNA position 7788, C replaced by T.
Molecular consequence: intron variant.
Genome position (GRCh38, 1-based): chr11:108,332,056, C>T. VCF-style: chr11-108332056-C-T. GRCh37 (hg19) VCF-style: chr11-108202783-C-T.
Other names: c.7788+19C>T (NM_001351834.2); c.641-22985G>A (NM_001330368.2); c.*38+3164G>A (NM_001351110.2).
Identifiers: ClinVar variation 490711 (VCV000490711.16), dbSNP rs201990371, ClinGen allele CA6266178.